The following is an entry in ClinVar:

ClinVar aggregate classification (germline): Uncertain significance. Review status: criteria provided, multiple submitters, no conflicts (2 of 4 stars). 2 submissions from 2 submitters: Uncertain significance (2). Last evaluated 2022-11-14.

Allele frequency attached by ClinVar (database versions not stated): ExAC 0.00001; gnomAD exomes 0.00002; TOPMed 0.00007; ESP Exome Variant Server 0.00008.
gnomAD v4.1: 67 of 1,614,122 alleles (0.0042%); highest among the groups gnomAD compares: Non-Finnish European, 0.0056%; no homozygotes.

Submissions (2):

Blueprint Genetics
Classification: Uncertain significance. Last evaluated: 2022-11-14. Review status: criteria provided, single submitter. Criteria: ACMG Guidelines, 2015. Collection method: clinical testing. Allele origin: germline.

Labcorp Genetics (formerly Invitae), Labcorp
Classification: Uncertain significance. Last evaluated: 2021-09-24. Review status: criteria provided, single submitter. Criteria: Invitae Variant Classification Sherloc (09022015). Collection method: clinical testing. Allele origin: germline.
Comment: This sequence change replaces glycine with aspartic acid at codon 662 of the FCHO1 protein (p.Gly662Asp). The glycine residue is highly conserved and there is a moderate physicochemical difference between glycine and aspartic acid. This variant is present in population databases (rs376091554, ExAC 0.001%). This variant has not been reported in the literature in individuals with FCHO1-related conditions. Algorithms developed to predict the effect of missense changes on protein structure and function are either unavailable or do not agree on the potential impact of this missense change (SIFT: "Deleterious"; PolyPhen-2: "Probably Damaging"; Align-GVGD: "Class C0"). In summary, the available evidence is currently insufficient to determine the role of this variant in disease. Therefore, it has been classified as a Variant of Uncertain Significance.

NM_015122.3(FCHO1):c.1985G>A (p.Gly662Asp)

Gene: FCHO1 (FCH and mu domain containing endocytic adaptor 1; plus strand). Cytogenetic location: 19p13.11.
Variant type: single nucleotide variant.
Coding change: c.1985G>A on transcript NM_015122.3 (MANE Select); coding-DNA position 1985, G replaced by A.
Protein change: p.Gly662Asp; replaces glycine 662 with aspartic acid.
Molecular consequence: missense variant. On other transcripts: non-coding transcript variant (36).
Genome position (GRCh38, 1-based): chr19:17,783,064, G>A. VCF-style: chr19-17783064-G-A. GRCh37 (hg19) VCF-style: chr19-17893873-G-A.
Other names: c.1985G>A, p.Gly662Asp (NM_001161357.2, NM_001161358.2, NM_001384370.1 and 13 more transcripts); c.1835G>A, p.Gly612Asp (NM_001161359.2, NM_001384384.1, NM_001384385.1 and 1 more transcripts); c.1946G>A, p.Gly649Asp (NM_001384388.1, NM_001384389.1, NM_001384405.1); c.1910G>A, p.Gly637Asp (NM_001384390.1); c.1868G>A, p.Gly623Asp (NM_001384392.1, NM_001384393.1, NM_001384394.1 and 1 more transcripts); c.1709G>A, p.Gly570Asp (NM_001384396.1, NM_001384397.1, NM_001384398.1 and 5 more transcripts); c.1664G>A, p.Gly555Asp (NM_001384403.1); c.1559G>A, p.Gly520Asp (NM_001384406.1); and 1 more; short protein forms G472D, G662D, G520D, G555D, G623D, G649D, G612D, G637D.
Identifiers: ClinVar variation 1377269 (VCV001377269.6), dbSNP rs376091554, ClinGen allele CA9300710.
Genomic context (GRCh38, chr19:17,783,064, plus strand): 5'-TCATCCTCCCTAGCTGCCTGGCTCGAGTAACTGGGGAGCTGACCATGACCTTCCCTGCTG[G>A]CATCGTGCGTGTGTTCAGCGGGACCCCACCACCACCTGTCCTCAGCTTCCGGCTTGTACA-3'
Protein context (NP_055937.1, residues 652-672): TGELTMTFPA[Gly662Asp]IVRVFSGTPP